The following is an entry in ClinVar:

ClinVar aggregate classification (germline): Benign. Review status: criteria provided, multiple submitters, no conflicts (2 of 4 stars). 10 submissions from 10 submitters: Benign (6). 4 of the submissions do not count toward it. Last evaluated 2026-02-04.

Conditions:
Hepatoencephalopathy due to combined oxidative phosphorylation defect type 1. Also called: HEPATOENCEPHALOPATHY, EARLY FATAL PROGRESSIVE. Identifiers: Orphanet 137681, MedGen C1836797, MONDO:0012191, OMIM 609060.

Allele frequency attached by ClinVar (database versions not stated): gnomAD exomes 0.53371 and 0.54281; gnomAD 0.57893 and 0.58169; 1000 Genomes Project 0.58307; TOPMed 0.58383; 1000 Genomes Project 30x 0.58495; ESP Exome Variant Server 0.59900; ExAC 0.63018.
gnomAD v4.1: 846,162 of 1,572,136 alleles (54%); highest among the groups gnomAD compares: African/African-American, 73%; 230,856 homozygotes.

Submissions (10):

Labcorp Genetics (formerly Invitae), Labcorp
Classification: Benign. Last evaluated: 2026-02-04. Review status: criteria provided, single submitter. Criteria: Invitae Variant Classification Sherloc (09022015). Collection method: clinical testing. Allele origin: germline.

Blueprint Genetics
Classification: Benign. Last evaluated: 2024-11-26. Review status: criteria provided, single submitter. Criteria: ACMG Guidelines, 2015. Collection method: clinical testing. Allele origin: germline.

Genome-Nilou Lab
Classification: Benign for Hepatoencephalopathy due to combined oxidative phosphorylation defect type 1. Last evaluated: 2021-07-10. Review status: criteria provided, single submitter. Criteria: ACMG Guidelines, 2015. Collection method: clinical testing. Allele origin: germline. Affected: no.

Illumina Laboratory Services, Illumina
Classification: Benign for Hepatoencephalopathy due to combined oxidative phosphorylation defect type 1. Last evaluated: 2018-01-12. Review status: criteria provided, single submitter. Criteria: ICSL Variant Classification Criteria 13 December 2019. Collection method: clinical testing. Allele origin: germline.
Comment: This variant was observed in the ICSL laboratory as part of a predisposition screen in an ostensibly healthy population. It had not been previously curated by ICSL or reported in the Human Gene Mutation Database (HGMD: prior to June 1st, 2018), and was therefore a candidate for classification through an automated scoring system. Utilizing variant allele frequency, disease prevalence and penetrance estimates, and inheritance mode, an automated score was calculated to assess if this variant is too frequent to cause the disease. Based on the score and internal cut-off values, a variant classified as benign is not then subjected to further curation. The score for this variant resulted in a classification of benign for this disease.

GeneDx
Classification: Benign. Last evaluated: 2015-03-03. Review status: criteria provided, single submitter. Criteria: GeneDx Variant Classification Process June 2021. Collection method: clinical testing. Allele origin: germline. Affected: yes.

Breakthrough Genomics
Classification: Benign. Review status: criteria provided, single submitter. Criteria: ACMG Guidelines, 2015. Collection method: not provided. Allele origin: germline. Inheritance: Autosomal recessive inheritance. Affected: yes.

Natera, Inc.
Classification: Benign for Combined oxidative phosphorylation deficiency 1. Last evaluated: 2019-11-18. Review status: no assertion criteria provided. Collection method: clinical testing. Allele origin: germline. Not counted in ClinVar's aggregate classification.

Mayo Clinic Laboratories, Mayo Clinic
Classification: Benign. Last evaluated: 2016-02-16. Review status: no assertion criteria provided. Collection method: clinical testing. Allele origin: unknown. Not counted in ClinVar's aggregate classification.

Diagnostic Laboratory, Department of Genetics, University Medical Center Groningen
Classification: Benign. Review status: no assertion criteria provided. Collection method: clinical testing. Allele origin: germline. Affected: yes. Study: VKGL Data-share Consensus. Not counted in ClinVar's aggregate classification.

Joint Genome Diagnostic Labs from Nijmegen and Maastricht, Radboudumc and MUMC+
Classification: Benign. Review status: no assertion criteria provided. Collection method: clinical testing. Allele origin: germline. Affected: yes. Study: VKGL Data-share Consensus. Not counted in ClinVar's aggregate classification.

NM_024996.7(GFM1):c.18T>C (p.Ala6=)

Gene: GFM1 (G elongation factor mitochondrial 1; plus strand). Cytogenetic location: 3q25.32.
Variant type: single nucleotide variant.
Coding change: c.18T>C on transcript NM_024996.7 (MANE Select); coding-DNA position 18, T replaced by C.
Protein change: p.Ala6=; no amino-acid change (alanine 6 retained).
Molecular consequence: synonymous variant. On other transcripts: 5 prime UTR variant (4), non-coding transcript variant (4).
Genome position (GRCh38, 1-based): chr3:158,644,652, T>C. VCF-style: chr3-158644652-T-C. GRCh37 (hg19) VCF-style: chr3-158362441-T-C.
Other names: c.18T>C, p.Ala6= (NM_001308164.2, NM_001308166.2, NM_001374355.1 and 2 more transcripts); c.-374T>C (NM_001374357.1); c.-212T>C (NM_001374359.1, NM_001374360.1, NM_001374361.1).
Identifiers: ClinVar variation 343919 (VCV000343919.30), dbSNP rs1864507, ClinGen allele CA2682184.